The following is an entry in ClinVar:

ClinVar aggregate classification (germline): Uncertain significance. Review status: criteria provided, multiple submitters, no conflicts (2 of 4 stars). 7 submissions from 5 submitters: Uncertain significance (7). Last evaluated 2023-06-28.

Conditions:
Cardiomyopathy, familial restrictive, 3. Identifiers: Orphanet 75249, MedGen C2676271, MONDO:0012900, OMIM 612422.
Hypertrophic cardiomyopathy 2. Also called: TNNT2-Related Familial Hypertrophic Cardiomyopathy. Identifiers: MedGen C1861864, MONDO:0007266, OMIM 115195.
Dilated cardiomyopathy 1D. Identifiers: Orphanet 154, Orphanet 54260, MedGen C1832243, MONDO:0011095, OMIM 601494.
Cardiovascular phenotype. Identifiers: MedGen CN230736.
Cardiomyopathy (CMYO). Also called: Cardiomyopathies. Identifiers: Orphanet 167848, MedGen C0878544, MONDO:0004994, HP:0001638. Inheritance: Various modes of inheritance.

Allele frequency attached by ClinVar (database versions not stated): TOPMed 0.00002.
gnomAD v4.1: 20 of 1,614,022 alleles (0.0012%); highest among the groups gnomAD compares: Admixed American, 0.0033%; no homozygotes.

Submissions (7):

All of Us Research Program, National Institutes of Health
Classification: Uncertain significance for Cardiomyopathy. Last evaluated: 2023-06-28. Review status: criteria provided, single submitter. Criteria: ACMG Guidelines, 2015. Collection method: clinical testing. Allele origin: germline. Inheritance: Autosomal dominant inheritance. Observed: 2 variant alleles, 2 heterozygotes.
Comment: This variant is located in the 5' untranslated region of the TNNT2 gene. To our knowledge, functional studies have not been reported for this variant. This variant has not been reported in individuals affected with TNNT2-related disorders in the literature. This variant has been identified in 2/251432 chromosomes in the general population by the Genome Aggregation Database (gnomAD). The available evidence is insufficient to determine the role of this variant in disease conclusively. Therefore, this variant is classified as a Variant of Uncertain Significance.

This study involves interpretation of variants in research participants for the purpose of population health screening. Participant phenotype was not available at the time of variant classification. Additional details can be found in publication PMID: 35346344, PMCID: PMC8962531

Genome-Nilou Lab
Classification: Uncertain significance for Dilated cardiomyopathy 1D. Last evaluated: 2023-04-11. Review status: criteria provided, single submitter. Criteria: ACMG Guidelines, 2015. Collection method: clinical testing. Allele origin: germline. Affected: no.

Genome-Nilou Lab
Classification: Uncertain significance for Cardiomyopathy, familial restrictive, 3. Last evaluated: 2023-04-11. Review status: criteria provided, single submitter. Criteria: ACMG Guidelines, 2015. Collection method: clinical testing. Allele origin: germline. Affected: no.

Genome-Nilou Lab
Classification: Uncertain significance for Hypertrophic cardiomyopathy 2. Last evaluated: 2023-04-11. Review status: criteria provided, single submitter. Criteria: ACMG Guidelines, 2015. Collection method: clinical testing. Allele origin: germline. Affected: no.

Ambry Genetics
Classification: Uncertain significance for Cardiovascular phenotype. Last evaluated: 2023-03-28. Review status: criteria provided, single submitter. Criteria: Ambry Variant Classification Scheme 2023. Collection method: clinical testing. Allele origin: germline.
Comment: The c.-1C>T variant is located in the 5' untranslated region (5&rsquo; UTR) of the TNNT2 gene. This variant results from a C to T substitution 1 nucleotide upstream from the first translated codon. This nucleotide position is highly conserved in available vertebrate species. Since supporting evidence is limited at this time, the clinical significance of this alteration remains unclear.

Color Diagnostics, LLC DBA Color Health
Classification: Uncertain significance for Cardiomyopathy. Last evaluated: 2022-12-15. Review status: criteria provided, single submitter. Criteria: ACMG Guidelines, 2015. Collection method: clinical testing. Allele origin: germline.
Comment: This variant is located in the 5' untranslated region of the TNNT2 gene. To our knowledge, functional studies have not been reported for this variant. This variant has not been reported in individuals affected with TNNT2-related disorders in the literature. This variant has been identified in 2/251432 chromosomes in the general population by the Genome Aggregation Database (gnomAD). The available evidence is insufficient to determine the role of this variant in disease conclusively. Therefore, this variant is classified as a Variant of Uncertain Significance.

CHEO Genetics Diagnostic Laboratory, Children's Hospital of Eastern Ontario
Classification: Uncertain significance for Cardiomyopathy. Last evaluated: 2017-08-04. Review status: criteria provided, single submitter. Criteria: ACMG Guidelines, 2015. Collection method: clinical testing. Allele origin: germline. Study: Canadian Open Genetics Repository.

NM_001276345.2(TNNT2):c.-1C>T

Gene: TNNT2 (troponin T2, cardiac type; minus strand). Cytogenetic location: 1q32.1.
Variant type: single nucleotide variant.
Coding change: c.-1C>T on transcript NM_001276345.2 (MANE Select); 1 bases upstream of the start codon, C replaced by T.
Molecular consequence: 5 prime UTR variant.
Genome position (GRCh38, 1-based): chr1:201,373,255, G>A on the plus strand (C>T on the coding strand, the complement: TNNT2 is on the minus strand). VCF-style: chr1-201373255-G-A. GRCh37 (hg19) VCF-style: chr1-201342383-G-A.
Other names: c.-1C>T (NM_000364.4, NM_001001430.3, NM_001001431.3 and 9 more transcripts).
Identifiers: ClinVar variation 626616 (VCV000626616.11), dbSNP rs776936911, ClinGen allele CA344209148.